The following is an entry in ClinVar:

ClinVar aggregate classification (germline): Uncertain significance. Review status: criteria provided, multiple submitters, no conflicts (2 of 4 stars). 2 submissions from 2 submitters: Uncertain significance (2). Last evaluated 2025-12-19.

gnomAD v4.1: 17 of 1,614,006 alleles (0.0011%); highest among the groups gnomAD compares: Middle Eastern, 0.016%; no homozygotes.

Submissions (2):

Women's Health and Genetics/Laboratory Corporation of America, LabCorp
Classification: Uncertain significance. Last evaluated: 2025-12-19. Review status: criteria provided, single submitter. Criteria: LabCorp Variant Classification Summary - May 2015. Collection method: clinical testing. Allele origin: germline.

Labcorp Genetics (formerly Invitae), Labcorp
Classification: Uncertain significance. Last evaluated: 2022-07-08. Review status: criteria provided, single submitter. Criteria: Invitae Variant Classification Sherloc (09022015). Collection method: clinical testing. Allele origin: germline.
Comment: This sequence change falls in intron 8 of the GNPTG gene. It does not directly change the encoded amino acid sequence of the GNPTG protein. It affects a nucleotide within the consensus splice site. This variant is present in population databases (rs531032942, gnomAD 0.006%). This variant has not been reported in the literature in individuals affected with GNPTG-related conditions. Variants that disrupt the consensus splice site are a relatively common cause of aberrant splicing (PMID: 17576681, 9536098). Algorithms developed to predict the effect of sequence changes on RNA splicing suggest that this variant is not likely to affect RNA splicing. In summary, the available evidence is currently insufficient to determine the role of this variant in disease. Therefore, it has been classified as a Variant of Uncertain Significance.

Literature cited by the submitters: PubMed 17576681 (cited by Labcorp Genetics (formerly Invitae), Labcorp); PubMed 9536098 (cited by Labcorp Genetics (formerly Invitae), Labcorp).

NM_032520.5(GNPTG):c.609+6C>T

Gene: GNPTG (N-acetylglucosamine-1-phosphate transferase subunit gamma; plus strand). Cytogenetic location: 16p13.3.
Variant type: single nucleotide variant.
Coding change: c.609+6C>T on transcript NM_032520.5 (MANE Select); 6 bases into the intron after coding-DNA position 609, C replaced by T.
Molecular consequence: intron variant.
Genome position (GRCh38, 1-based): chr16:1,362,540, C>T. VCF-style: chr16-1362540-C-T. GRCh37 (hg19) VCF-style: chr16-1412541-C-T.
Identifiers: ClinVar variation 2060419 (VCV002060419.2), dbSNP rs531032942, ClinGen allele CA7807827.
Genomic context (GRCh38, chr16:1,362,540, plus strand): 5'-GCGGCAGTGGGACCAGGTAGAGCAGGACCTGGCCGATGAGCTGATCACCCCCCAGGTAAG[C>T]GTGCGCTCGGGGTGGCCCCTGGTGGGCCTGGCTGGGAGCTGGGTGCTGCCCCTGCATCCT-3'